The following is an entry in ClinVar:

ClinVar aggregate classification (germline): Pathogenic (1 of 4 stars; one submission).

Conditions:
PKHD1-related disorder. Also called: PKHD1-related condition.

Submission:

PreventionGenetics, part of Exact Sciences
Classification: Pathogenic for PKHD1-related condition. Last evaluated: 2025-12-14. Review status: criteria provided, single submitter. Criteria: ACMG Guidelines, 2015. Collection method: clinical testing. Allele origin: germline.
Comment: The PKHD1 c.9218G>A variant is predicted to result in premature protein termination (p.Trp3073*). This variant has not been reported in a large population database (gnomAD), indicating this variant is rare. Nonsense variants in PKHD1 are expected to be pathogenic. This variant is interpreted as pathogenic.

NM_138694.4(PKHD1):c.9218G>A (p.Trp3073Ter)

Gene: PKHD1 (PKHD1 ciliary IPT domain containing fibrocystin/polyductin; minus strand). Cytogenetic location: 6p12.3.
Variant type: single nucleotide variant.
Coding change: c.9218G>A on transcript NM_138694.4 (MANE Select); coding-DNA position 9218, G replaced by A.
Protein change: p.Trp3073Ter; replaces tryptophan 3073 with a stop codon.
Molecular consequence: nonsense.
Genome position (GRCh38, 1-based): chr6:51,748,398, C>T on the plus strand (G>A on the coding strand, the complement: PKHD1 is on the minus strand). VCF-style: chr6-51748398-C-T. GRCh37 (hg19) VCF-style: chr6-51613196-C-T.
Other names: c.9218G>A, p.Trp3073Ter (NM_170724.3); short protein forms W3073*.
Identifiers: ClinVar variation 4993549 (VCV004993549.1).